The following is an entry in ClinVar:

NM_017612.5(ZCCHC8):c.538C>G (p.Leu180Val)

Gene: ZCCHC8 (zinc finger CCHC-type containing 8; minus strand). Cytogenetic location: 12q24.31.
Variant type: single nucleotide variant.
Coding change: c.538C>G on transcript NM_017612.5 (MANE Select); coding-DNA position 538, C replaced by G.
Protein change: p.Leu180Val; replaces leucine 180 with valine.
Molecular consequence: missense variant. On other transcripts: intron variant (3).
Genome position (GRCh38, 1-based): chr12:122,483,527, G>C on the plus strand (C>G on the coding strand, the complement: ZCCHC8 is on the minus strand). VCF-style: chr12-122483527-G-C. GRCh37 (hg19) VCF-style: chr12-122968074-G-C.
Other names: c.241C>G, p.Leu81Val (NM_001350936.2); c.-43-832C>G (NM_001350938.2, NM_001350937.2); c.502-1440C>G (NM_001350935.2); short protein forms L180V, L81V.
Identifiers: ClinVar variation 2870091 (VCV002870091.3), dbSNP rs768621947, ClinGen allele CA244755979.
Genomic context (GRCh38, chr12:122,483,527, plus strand): 5'-TTTCCCATCCTTCGGAAAGCTGAGGGTTTTCATTTAGAAGCGGTTGCCCCAATTTATCAA[G>C]GCAAAAATTAGTAAAATACAGGACACTTCCTACAACCTGCAGAAAACAAGTCAAAAAATA-3'
Protein context (NP_060082.2, residues 170-190): GSVLYFTNFC[Leu180Val]DKLGQPLLNE

ClinVar aggregate classification (germline): Uncertain significance (1 of 4 stars; one submission).

gnomAD v4.1: 6 of 1,591,486 alleles (0.00038%); highest among the groups gnomAD compares: Non-Finnish European, 0.00051%; no homozygotes.

Submission:

Labcorp Genetics (formerly Invitae), Labcorp
Classification: Uncertain significance. Last evaluated: 2023-08-04. Review status: criteria provided, single submitter. Criteria: Invitae Variant Classification Sherloc (09022015). Collection method: clinical testing. Allele origin: germline.
Comment: In summary, the available evidence is currently insufficient to determine the role of this variant in disease. Therefore, it has been classified as a Variant of Uncertain Significance. Advanced modeling of protein sequence and biophysical properties (such as structural, functional, and spatial information, amino acid conservation, physicochemical variation, residue mobility, and thermodynamic stability) performed at Invitae indicates that this missense variant is not expected to disrupt ZCCHC8 protein function. This variant has not been reported in the literature in individuals affected with ZCCHC8-related conditions. This variant is not present in population databases (gnomAD no frequency). This sequence change replaces leucine, which is neutral and non-polar, with valine, which is neutral and non-polar, at codon 180 of the ZCCHC8 protein (p.Leu180Val).